The following is an entry in ClinVar:

ClinVar aggregate classification (germline): Conflicting classifications of pathogenicity. Review status: criteria provided, conflicting classifications (1 of 4 stars). 2 submissions from 2 submitters: Uncertain significance (1); Likely benign (1). Last evaluated 2025-12-01.

gnomAD v4.1: 14 of 783,034 alleles (0.0018%); highest among the groups gnomAD compares: African/African-American, 0.0066%; no homozygotes.

Submissions (2):

CeGaT Center for Human Genetics Tuebingen
Classification: Uncertain significance. Last evaluated: 2025-12-01. Review status: criteria provided, single submitter. Criteria: CeGaT Center For Human Genetics Tuebingen Variant Classification Criteria Version 2. Collection method: clinical testing. Allele origin: germline. Affected: yes. Observed: 1 variant allele.
Comment: EIF2B2: PM2, BP4

Labcorp Genetics (formerly Invitae), Labcorp
Classification: Likely benign. Last evaluated: 2024-03-23. Review status: criteria provided, single submitter. Criteria: Invitae Variant Classification Sherloc (09022015). Collection method: clinical testing. Allele origin: germline.

NM_014239.4(EIF2B2):c.434-7C>G

Gene: EIF2B2 (eukaryotic translation initiation factor 2B subunit beta; plus strand). Cytogenetic location: 14q24.3.
Variant type: single nucleotide variant.
Coding change: c.434-7C>G on transcript NM_014239.4 (MANE Select); 7 bases into the intron before coding-DNA position 434, C replaced by G.
Molecular consequence: intron variant.
Genome position (GRCh38, 1-based): chr14:75,004,730, C>G. VCF-style: chr14-75004730-C-G. GRCh37 (hg19) VCF-style: chr14-75471433-C-G.
Identifiers: ClinVar variation 3004667 (VCV003004667.8), dbSNP rs745915599, ClinGen allele CA487176964.
Genomic context (GRCh38, chr14:75,004,730, plus strand): 5'-TATATATATATATATATATATTTTTTTTTTTTTTTTTTTTTTTTTTTTTGCAAAACCGTT[C>G]TTACAGAAGGGACAATGGAGAACATTGCAGCCCAGGCTCTGGAGCACATTCACTCCAATG-3'